The following is an entry in ClinVar:

NM_017553.3(INO80):c.2037A>G (p.Leu679=)

Gene: INO80 (INO80 complex ATPase subunit; minus strand). Cytogenetic location: 15q15.1.
Variant type: single nucleotide variant.
Coding change: c.2037A>G on transcript NM_017553.3 (MANE Select); coding-DNA position 2037, A replaced by G.
Protein change: p.Leu679=; no amino-acid change (leucine 679 retained).
Molecular consequence: synonymous variant. On other transcripts: non-coding transcript variant (1).
Genome position (GRCh38, 1-based): chr15:41,056,655, T>C on the plus strand (A>G on the coding strand, the complement: INO80 is on the minus strand). VCF-style: chr15-41056655-T-C. GRCh37 (hg19) VCF-style: chr15-41348853-T-C.
Identifiers: ClinVar variation 3039481 (VCV003039481.2), dbSNP rs748202532, ClinGen allele CA489794235.
Genomic context (GRCh38, chr15:41,056,655, plus strand): 5'-AAACCTGTGACCTGGACTAGTGCCTACCTCTGCCATGGTGTTCTGAATTGGGGTCCCGGT[T>C]AGCAAAAGCCGATTCCGACACTGGAACTGTAAGAGGATCTTCCAACGAACACTGTTTGAT-3'
Protein context (NP_060023.1, residues 669-689): LQFQCRNRLL[Leu679=]TGTPIQNTMA

ClinVar aggregate classification (germline): Likely benign (0 of 4 stars; one submission).

Conditions:
INO80-related disorder. Also called: INO80-related condition.

gnomAD v4.1: 4 of 1,614,054 alleles (0.00025%); highest among the groups gnomAD compares: Non-Finnish European, 0.00034%; no homozygotes.

Submission:

PreventionGenetics, part of Exact Sciences
Classification: Likely benign for INO80-related condition. Last evaluated: 2019-05-21. Review status: no assertion criteria provided. Collection method: clinical testing. Allele origin: germline.
Comment: This variant is classified as likely benign based on ACMG/AMP sequence variant interpretation guidelines (Richards et al. 2015 PMID: 25741868, with internal and published modifications).